The following is an entry in ClinVar:

ClinVar aggregate classification (germline): Uncertain significance (1 of 4 stars; one submission).

Submission:

Labcorp Genetics (formerly Invitae), Labcorp
Classification: Uncertain significance. Last evaluated: 2025-04-12. Review status: criteria provided, single submitter. Criteria: Invitae Variant Classification Sherloc (09022015). Collection method: clinical testing. Allele origin: germline.
Comment: This sequence change replaces leucine, which is neutral and non-polar, with phenylalanine, which is neutral and non-polar, at codon 511 of the ZBTB20 protein (p.Leu511Phe). This variant is not present in population databases (gnomAD no frequency). This variant has not been reported in the literature in individuals affected with ZBTB20-related conditions. Invitae Evidence Modeling of protein sequence and biophysical properties (such as structural, functional, and spatial information, amino acid conservation, physicochemical variation, residue mobility, and thermodynamic stability) indicates that this missense variant is not expected to disrupt ZBTB20 protein function with a negative predictive value of 95%. In summary, the available evidence is currently insufficient to determine the role of this variant in disease. Therefore, it has been classified as a Variant of Uncertain Significance.

NM_001348800.3(ZBTB20):c.1531C>T (p.Leu511Phe)

Gene: ZBTB20 (zinc finger and BTB domain containing 20; minus strand). Cytogenetic location: 3q13.31.
Variant type: single nucleotide variant.
Coding change: c.1531C>T on transcript NM_001348800.3 (MANE Select); coding-DNA position 1531, C replaced by T.
Protein change: p.Leu511Phe; replaces leucine 511 with phenylalanine.
Molecular consequence: missense variant.
Genome position (GRCh38, 1-based): chr3:114,350,547, G>A on the plus strand (C>T on the coding strand, the complement: ZBTB20 is on the minus strand). VCF-style: chr3-114350547-G-A. GRCh37 (hg19) VCF-style: chr3-114069394-G-A.
Other names: c.1531C>T, p.Leu511Phe (NM_001164342.2, NM_001348803.3, NM_001393393.1 and 1 more transcripts); c.1312C>T, p.Leu438Phe (NM_001164343.2, NM_001164344.4, NM_001164345.4 and 9 more transcripts); short protein forms L438F, L511F.
Identifiers: ClinVar variation 4799738 (VCV004799738.1).